The following is an entry in ClinVar:

ClinVar aggregate classification (germline): Conflicting classifications of pathogenicity. Review status: criteria provided, conflicting classifications (1 of 4 stars). 2 submissions from 2 submitters: Uncertain significance (1); Likely benign (1). Last evaluated 2026-06-16.

Conditions:
Cardiovascular phenotype. Identifiers: MedGen CN230736.
Hereditary cancer-predisposing syndrome. Also called: Tumor predisposition; Hereditary Cancer Syndrome; Hereditary neoplastic syndrome; Neoplastic Syndromes, Hereditary. Identifiers: Orphanet 140162, MedGen C0027672, MeSH D009386, MONDO:0015356.
Neurofibromatosis, type 1 (NF1). Also called: VON RECKLINGHAUSEN DISEASE; Peripheral type neurofibromatosis; Neurofibromatosis, type I; NEUROFIBROMATOSIS, TYPE I, SOMATIC. Identifiers: Orphanet 636, MedGen C0027831, MONDO:0018975, OMIM 162200. Disease mechanism: loss of function.

Submissions (2):

Ambry Genetics
Classification: Likely benign for Cardiovascular phenotype; Hereditary cancer-predisposing syndrome. Last evaluated: 2026-06-16. Review status: criteria provided, single submitter. Criteria: Ambry Variant Classification Scheme 2023. Collection method: clinical testing. Allele origin: germline.

Labcorp Genetics (formerly Invitae), Labcorp
Classification: Uncertain significance for Neurofibromatosis, type 1. Last evaluated: 2023-03-22. Review status: criteria provided, single submitter. Criteria: Invitae Variant Classification Sherloc (09022015). Collection method: clinical testing. Allele origin: germline.
Comment: Advanced modeling of protein sequence and biophysical properties (such as structural, functional, and spatial information, amino acid conservation, physicochemical variation, residue mobility, and thermodynamic stability) performed at Invitae indicates that this missense variant is not expected to disrupt NF1 protein function. ClinVar contains an entry for this variant (Variation ID: 1036838). This variant has not been reported in the literature in individuals affected with NF1-related conditions. This variant is not present in population databases (gnomAD no frequency). This sequence change replaces proline, which is neutral and non-polar, with threonine, which is neutral and polar, at codon 654 of the NF1 protein (p.Pro654Thr). In summary, the available evidence is currently insufficient to determine the role of this variant in disease. Therefore, it has been classified as a Variant of Uncertain Significance.

NM_001042492.3(NF1):c.1960C>A (p.Pro654Thr)

Gene: NF1 (neurofibromin 1; plus strand). Cytogenetic location: 17q11.2.
Variant type: single nucleotide variant.
Coding change: c.1960C>A on transcript NM_001042492.3 (MANE Select); coding-DNA position 1960, C replaced by A.
Protein change: p.Pro654Thr; replaces proline 654 with threonine.
Molecular consequence: missense variant.
Genome position (GRCh38, 1-based): chr17:31,225,209, C>A. VCF-style: chr17-31225209-C-A. GRCh37 (hg19) VCF-style: chr17-29552227-C-A.
Other names: c.1960C>A, p.Pro654Thr (NM_000267.4); short protein forms P654T.
Identifiers: ClinVar variation 1036838 (VCV001036838.7), dbSNP rs765281937, ClinGen allele CA399005513.